The following is an entry in ClinVar:

NM_152641.4(ARID2):c.5281G>A (p.Glu1761Lys)

Gene: ARID2 (AT-rich interaction domain 2; plus strand). Cytogenetic location: 12q12.
Variant type: single nucleotide variant.
Coding change: c.5281G>A on transcript NM_152641.4 (MANE Select); coding-DNA position 5281, G replaced by A.
Protein change: p.Glu1761Lys; replaces glutamic acid 1761 with lysine.
Molecular consequence: missense variant.
Genome position (GRCh38, 1-based): chr12:45,893,639, G>A. VCF-style: chr12-45893639-G-A. GRCh37 (hg19) VCF-style: chr12-46287422-G-A.
Other names: c.5281G>A, p.Glu1761Lys (NM_001347839.2); short protein forms E1761K.
Identifiers: ClinVar variation 2642917 (VCV002642917.24), dbSNP rs2136462888, ClinGen allele CA384498932.

ClinVar aggregate classification (germline): Uncertain significance (1 of 4 stars; one submission).

Submission:

CeGaT Center for Human Genetics Tuebingen
Classification: Uncertain significance. Last evaluated: 2023-09-01. Review status: criteria provided, single submitter. Criteria: CeGaT Center For Human Genetics Tuebingen Variant Classification Criteria Version 2. Collection method: clinical testing. Allele origin: germline. Affected: yes. Observed: 1 variant allele.
Comment: ARID2: PM2, PP2, PP3